The following is an entry in ClinVar:

NM_000219.6(KCNE1):c.88C>T (p.Leu30=)

Gene: KCNE1 (potassium voltage-gated channel subfamily E regulatory subunit 1; minus strand). Cytogenetic location: 21q22.12.
Variant type: single nucleotide variant.
Coding change: c.88C>T on transcript NM_000219.6 (MANE Select); coding-DNA position 88, C replaced by T.
Protein change: p.Leu30=; no amino-acid change (leucine 30 retained).
Molecular consequence: synonymous variant.
Genome position (GRCh38, 1-based): chr21:34,449,547, G>A on the plus strand (C>T on the coding strand, the complement: KCNE1 is on the minus strand). VCF-style: chr21-34449547-G-A. GRCh37 (hg19) VCF-style: chr21-35821845-G-A.
Other names: c.88C>T, p.Leu30= (NM_001127668.4, NM_001127669.4, NM_001127670.4 and 4 more transcripts).
Identifiers: ClinVar variation 3374015 (VCV003374015.2).

Conditions:
Long QT syndrome 5 (LQT5). Identifiers: Orphanet 101016, Orphanet 768, MedGen C1867904, MONDO:0013372, OMIM 613695.

Submission:

Roden Lab, Vanderbilt University Medical Center
No classification provided (evidence only). Condition: Long QT syndrome 5. Review status: no classification provided. Collection method: in vitro. Allele origin: not applicable. Functional consequence: Effect on ion channel function.
ClinVar note: "not provided" was previously submitted as the classification for the variant. However, the classification appeared to be based only on an observation of functional data so it was converted to no classification on 2025-07-30.